The following is an entry in ClinVar:

ClinVar aggregate classification (germline): Uncertain significance. Review status: criteria provided, multiple submitters, no conflicts (2 of 4 stars). 2 submissions from 2 submitters: Uncertain significance (2). Last evaluated 2026-02-24.

Conditions:
Hereditary cancer-predisposing syndrome. Also called: Hereditary neoplastic syndrome; Tumor predisposition; Neoplastic Syndromes, Hereditary; Hereditary Cancer Syndrome. Identifiers: Orphanet 140162, MedGen C0027672, MeSH D009386, MONDO:0015356.
DICER1-related tumor predisposition. Also called: DICER1 syndrome; DICER1-related pleuropulmonary blastoma cancer predisposition syndrome. Identifiers: Orphanet 284343, MedGen C3839822, MONDO:0100216.

Submissions (2):

Ambry Genetics
Classification: Uncertain significance for Hereditary cancer-predisposing syndrome. Last evaluated: 2026-02-24. Review status: criteria provided, single submitter. Criteria: Ambry Variant Classification Scheme 2023. Collection method: clinical testing. Allele origin: germline.
Comment: The p.L51M variant (also known as c.151C>A), located in coding exon 2 of the DICER1 gene, results from a C to A substitution at nucleotide position 151. The leucine at codon 51 is replaced by methionine, an amino acid with highly similar properties. This amino acid position is conserved. In addition, the in silico prediction for this alteration is inconclusive. Based on the available evidence, the clinical significance of this variant remains unclear.

Labcorp Genetics (formerly Invitae), Labcorp
Classification: Uncertain significance for DICER1-related tumor predisposition. Last evaluated: 2021-11-18. Review status: criteria provided, single submitter. Criteria: Invitae Variant Classification Sherloc (09022015). Collection method: clinical testing. Allele origin: germline.
Comment: This sequence change replaces leucine, which is neutral and non-polar, with methionine, which is neutral and non-polar, at codon 51 of the DICER1 protein (p.Leu51Met). This variant is not present in population databases (gnomAD no frequency). This variant has not been reported in the literature in individuals affected with DICER1-related conditions. Algorithms developed to predict the effect of missense changes on protein structure and function are either unavailable or do not agree on the potential impact of this missense change (SIFT: "Deleterious"; PolyPhen-2: "Benign"; Align-GVGD: "Class C0"). In summary, the available evidence is currently insufficient to determine the role of this variant in disease. Therefore, it has been classified as a Variant of Uncertain Significance.

NM_177438.3(DICER1):c.151C>A (p.Leu51Met)

Gene: DICER1 (dicer 1, ribonuclease III; minus strand). Cytogenetic location: 14q32.13.
Variant type: single nucleotide variant.
Coding change: c.151C>A on transcript NM_177438.3 (MANE Select); coding-DNA position 151, C replaced by A.
Protein change: p.Leu51Met; replaces leucine 51 with methionine.
Molecular consequence: missense variant.
Genome position (GRCh38, 1-based): chr14:95,132,671, G>T on the plus strand (C>A on the coding strand, the complement: DICER1 is on the minus strand). VCF-style: chr14-95132671-G-T. GRCh37 (hg19) VCF-style: chr14-95599008-G-T.
Other names: c.151C>A, p.Leu51Met (NM_001195573.1, NM_001271282.3, NM_001291628.2 and 1 more transcripts); c.151C>A (NM_177438.2); short protein forms L51M.
Identifiers: ClinVar variation 1374254 (VCV001374254.8), dbSNP rs1894056077, ClinGen allele CA390890176.